The following is an entry in ClinVar:

ClinVar aggregate classification (germline): Benign/Likely benign. Review status: criteria provided, multiple submitters, no conflicts (2 of 4 stars). 3 submissions from 3 submitters: Benign (2); Likely benign (1). Last evaluated 2025-09-30.

Allele frequency attached by ClinVar (database versions not stated): 1000 Genomes Project 30x 0.00031; gnomAD 0.00036 and 0.00038; TOPMed 0.00036; ESP Exome Variant Server 0.00038; 1000 Genomes Project 0.00040; ExAC 0.00044; gnomAD exomes 0.00050.
gnomAD v4.1: 431 of 1,614,068 alleles (0.027%); highest among the groups gnomAD compares: Middle Eastern, 0.049%; 1 homozygote.

Submissions (3):

Labcorp Genetics (formerly Invitae), Labcorp
Classification: Benign. Last evaluated: 2025-09-30. Review status: criteria provided, single submitter. Criteria: Invitae Variant Classification Sherloc (09022015). Collection method: clinical testing. Allele origin: germline.

Athena Diagnostics
Classification: Benign. Last evaluated: 2025-06-06. Review status: criteria provided, single submitter. Criteria: Athena Diagnostics Criteria. Collection method: clinical testing. Allele origin: unknown.
Comment: The frequency of this variant in the general population is higher than would generally be expected for pathogenic variants in this gene.

Blueprint Genetics
Classification: Likely benign. Last evaluated: 2024-09-18. Review status: criteria provided, single submitter. Criteria: ACMG Guidelines, 2015. Collection method: clinical testing. Allele origin: germline.

Literature cited by the submitters: PubMed 22448230 (cited by Athena Diagnostics).

NM_001278064.2(GRM1):c.1338C>T (p.Asp446=)

Gene: GRM1 (glutamate metabotropic receptor 1; plus strand). Cytogenetic location: 6q24.3.
Variant type: single nucleotide variant.
Coding change: c.1338C>T on transcript NM_001278064.2 (MANE Select); coding-DNA position 1338, C replaced by T.
Protein change: p.Asp446=; no amino-acid change (aspartic acid 446 retained).
Molecular consequence: synonymous variant.
Genome position (GRCh38, 1-based): chr6:146,352,401, C>T. VCF-style: chr6-146352401-C-T. GRCh37 (hg19) VCF-style: chr6-146673537-C-T.
Other names: c.1338C>T, p.Asp446= (NM_001278065.2, NM_001278066.1, NM_001278067.1).
Identifiers: ClinVar variation 755971 (VCV000755971.11), dbSNP rs142264383, ClinGen allele CA4037270.